The following is an entry in ClinVar:

ClinVar aggregate classification (germline): Uncertain significance (1 of 4 stars; one submission).

Submission:

GeneDx
Classification: Uncertain significance. Last evaluated: 2023-05-31. Review status: criteria provided, single submitter. Criteria: GeneDx Variant Classification Process June 2021. Collection method: clinical testing. Allele origin: germline. Affected: yes.
Comment: Not observed at significant frequency in large population cohorts (gnomAD); In-frame deletion of 3 amino acids in a non-repeat region; Has not been previously published as pathogenic or benign to our knowledge; This variant is associated with the following publications: (PMID: 15735151)

NM_004655.4(AXIN2):c.247_255del (p.His83_Leu85del)

Gene: AXIN2 (axin 2; minus strand). Cytogenetic location: 17q24.1.
Variant type: Deletion.
Coding change: c.247_255del on transcript NM_004655.4 (MANE Select); coding-DNA positions 247 to 255, 9 bases deleted (CACTCCTTA; older notation c.247_255delCACTCCTTA).
Protein change: p.His83_Leu85del.
Molecular consequence: inframe indel (on NM_004655.3).
Genome position (GRCh38, 1-based): chr17:65,558,366-65,558,374, TAAGGAGTG deleted on the plus strand (CACTCCTTA on the coding strand, the reverse complement: AXIN2 is on the minus strand); deleting any 9 consecutive bases within chr17:65,558,366-65,558,380 gives the same sequence; the c. name uses the placement nearest the transcript's 3' end. VCF-style (leftmost placement, unchanged base first): chr17-65558365-ATAAGGAGTG-A. GRCh37 (hg19) VCF-style: chr17-63554483-ATAAGGAGTG-A.
Other names: c.247_255del, p.His83_Leu85del (NM_001363813.1); c.241_249delTCCTTACAC, p.His83_Leu85del (NM_004655.3).
Identifiers: ClinVar variation 3359338 (VCV003359338.1).